The following is an entry in ClinVar:

ClinVar aggregate classification (germline): Uncertain significance (1 of 4 stars; one submission).

Conditions:
Pierpont syndrome (PRPTS). Identifiers: Orphanet 487825, MedGen C1865644, MONDO:0011213, OMIM 602342.

Submission:

Labcorp Genetics (formerly Invitae), Labcorp
Classification: Uncertain significance for Pierpont syndrome. Last evaluated: 2024-04-12. Review status: criteria provided, single submitter. Criteria: Invitae Variant Classification Sherloc (09022015). Collection method: clinical testing. Allele origin: germline.
Comment: This sequence change replaces alanine, which is neutral and non-polar, with threonine, which is neutral and polar, at codon 142 of the TBL1XR1 protein (p.Ala142Thr). The frequency data for this variant in the population databases is considered unreliable, as metrics indicate poor data quality at this position in the gnomAD database. This variant has not been reported in the literature in individuals affected with TBL1XR1-related conditions. Advanced modeling of protein sequence and biophysical properties (such as structural, functional, and spatial information, amino acid conservation, physicochemical variation, residue mobility, and thermodynamic stability) performed at Invitae indicates that this missense variant is not expected to disrupt TBL1XR1 protein function with a negative predictive value of 95%. In summary, the available evidence is currently insufficient to determine the role of this variant in disease. Therefore, it has been classified as a Variant of Uncertain Significance.

NM_024665.7(TBL1XR1):c.424G>A (p.Ala142Thr)

Gene: TBL1XR1 (TBL1X/Y related 1; minus strand). Cytogenetic location: 3q26.32.
Variant type: single nucleotide variant.
Coding change: c.424G>A on transcript NM_024665.7 (MANE Select); coding-DNA position 424, G replaced by A.
Protein change: p.Ala142Thr; replaces alanine 142 with threonine.
Molecular consequence: missense variant.
Genome position (GRCh38, 1-based): chr3:177,051,507, C>T on the plus strand (G>A on the coding strand, the complement: TBL1XR1 is on the minus strand). VCF-style: chr3-177051507-C-T. GRCh37 (hg19) VCF-style: chr3-176769295-C-T.
Other names: c.424G>A, p.Ala142Thr (NM_001321193.3, NM_001321194.3, NM_001374327.1 and 2 more transcripts); c.163G>A, p.Ala55Thr (NM_001321195.3, NM_001374330.1); short protein forms A55T, A142T.
Identifiers: ClinVar variation 3708860 (VCV003708860.2).
Genomic context (GRCh38, chr3:177,051,507, plus strand): 5'-TTAAAAAAATAAATAAATAAACCATGTAATTAAAAAAAAATTCTTGTCTGAGCTCACTTG[C>T]TATAGTATGTGCTCCATTCTCCTCCCCATTTGCTGTGTTTTCTCCATTTTTTGCAGATCC-3'
Protein context (NP_078941.2, residues 132-152): NGEENGAHTI[Ala142Thr]NNHTDMMEVD